The following is an entry in ClinVar:

ClinVar aggregate classification (germline): Likely pathogenic (0 of 4 stars; one submission).

Conditions:
Ehlers-Danlos syndrome, kyphoscoliotic type 1 (EDSKSCL1). Also called: Ehlers-Danlos syndrome, hydroxylysine-deficient; EHLERS-DANLOS SYNDROME, OCULAR-SCOLIOTIC TYPE; PLOD1-Related Kyphoscoliotic Ehlers-Danlos Syndrome; EHLERS-DANLOS SYNDROME, TYPE VIA. Identifiers: Orphanet 1900, MedGen C0268342, MONDO:0016002, OMIM 225400. Disease mechanism: loss of function.

Submission:

Foundation for Research in Genetics and Endocrinology, FRIGE's Institute of Human Genetics
Classification: Likely pathogenic for Ehlers-Danlos syndrome, kyphoscoliotic type 1. Last evaluated: 2015-05-20. Review status: no assertion criteria provided. Collection method: clinical testing. Allele origin: germline. Inheritance: Autosomal recessive inheritance. Affected: yes. Observed: 1 compound heterozygote.
Comment: Both the Variants are predicted to be damaging by SIFT, LRT and Mutation Taster online software.

NM_000302.3(PLOD1):c.[136C>T];[2075C>T]

Variant type: CompoundHeterozygote.
Identifiers: ClinVar variation 427816 (VCV000427816.1).